The following is an entry in ClinVar:

ClinVar aggregate classification (germline): Uncertain significance (1 of 4 stars; one submission).

Conditions:
Familial cancer of breast. Also called: BREAST CANCER, FAMILIAL; Hereditary breast cancer; hereditary breast carcinoma. Identifiers: Orphanet 227535, MedGen C0346153, MONDO:0016419, OMIM 114480. Disease mechanism: loss of function.

Submission:

Labcorp Genetics (formerly Invitae), Labcorp
Classification: Uncertain significance for Familial cancer of breast. Last evaluated: 2019-08-18. Review status: criteria provided, single submitter. Criteria: Invitae Variant Classification Sherloc (09022015). Collection method: clinical testing. Allele origin: germline.
Comment: This variant is not present in population databases (ExAC no frequency). In summary, the available evidence is currently insufficient to determine the role of this variant in disease. Therefore, it has been classified as a Variant of Uncertain Significance. Algorithms developed to predict the effect of missense changes on protein structure and function (SIFT, PolyPhen-2, Align-GVGD) all suggest that this variant is likely to be tolerated, but these predictions have not been confirmed by published functional studies and their clinical significance is uncertain. This variant has not been reported in the literature in individuals with BARD1-related conditions. This sequence change replaces methionine with leucine at codon 414 of the BARD1 protein (p.Met414Leu). The methionine residue is weakly conserved and there is a small physicochemical difference between methionine and leucine.

NM_000465.4(BARD1):c.1240A>C (p.Met414Leu)

Gene: BARD1 (BRCA1 associated RING domain 1; minus strand). Cytogenetic location: 2q35.
Variant type: single nucleotide variant.
Coding change: c.1240A>C on transcript NM_000465.4 (MANE Select); coding-DNA position 1240, A replaced by C.
Protein change: p.Met414Leu; replaces methionine 414 with leucine.
Molecular consequence: missense variant. On other transcripts: non-coding transcript variant (2), intron variant (3).
Genome position (GRCh38, 1-based): chr2:214,780,634, T>G on the plus strand (A>C on the coding strand, the complement: BARD1 is on the minus strand). VCF-style: chr2-214780634-T-G. GRCh37 (hg19) VCF-style: chr2-215645358-T-G.
Other names: c.1183A>C, p.Met395Leu (NM_001282543.2); c.159-28079A>C (NM_001282548.2); c.215+16427A>C (NM_001282545.2); c.364+11663A>C (NM_001282549.2); short protein forms M395L, M414L.
Identifiers: ClinVar variation 964356 (VCV000964356.10), dbSNP rs759601398, ClinGen allele CA350453599.
Genomic context (GRCh38, chr2:214,780,634, plus strand): 5'-TATGGAGCAAAGTCTCTCCTCTATGATTTCTTTTCACAGCCATATTGGGCAACAGCTTCA[T>G]TGCTGAGGGACTAGACATCACTCGCCTGTAACTTGAACTACTTAATGTAGAAGGTGGTGT-3'
Protein context (NP_000456.2, residues 404-424): YRRVMSSPSA[Met414Leu]KLLPNMAVKR